The following is an entry in ClinVar:

NM_000182.5(HADHA):c.2063G>A (p.Cys688Tyr)

Genes: GAREM2 (GRB2 associated regulator of MAPK1 subtype 2; plus strand), HADHA (hydroxyacyl-CoA dehydrogenase trifunctional multienzyme complex subunit alpha; minus strand). Cytogenetic location: 2p23.3.
Variant type: single nucleotide variant.
Coding change: c.2063G>A on transcript NM_000182.5 (MANE Select); coding-DNA position 2063, G replaced by A.
Protein change: p.Cys688Tyr; replaces cysteine 688 with tyrosine.
Molecular consequence: missense variant.
Genome position (GRCh38, 1-based): chr2:26,191,566, C>T on the plus strand (G>A on the coding strand, the complement: HADHA is on the minus strand). VCF-style: chr2-26191566-C-T. GRCh37 (hg19) VCF-style: chr2-26414435-C-T.
Other names: short protein forms C688Y.
Identifiers: ClinVar variation 1031452 (VCV001031452.1), dbSNP rs1669504364, ClinGen allele CA346113146.
Genomic context (GRCh38, chr2:26,191,566, plus strand): 5'-AGCCCAAAGACGGCTCCGATGTCTCCCTCTGCAGGTGTGGCCAAGATCCCCTCTTGCAGG[C>T]ACATGACTGCCTCATTCACAAATCTTGTCACCAGGCGGAACTGGATGTCTTCGTCTGATG-3'
Protein context (NP_000173.2, residues 678-698): VTRFVNEAVM[Cys688Tyr]LQEGILATPA

ClinVar aggregate classification (germline): Uncertain significance (1 of 4 stars; one submission).

Conditions:
Long chain 3-hydroxyacyl-CoA dehydrogenase deficiency. Also called: LCHAD Deficiency; Deficiency of long-chain 3-hydroxyacyl-coenzyme A dehydrogenase. Identifiers: Orphanet 5, MedGen C3711645, MONDO:0012173, OMIM 609016.

Allele frequency attached by ClinVar (database versions not stated): gnomAD exomes below 0.00001.
gnomAD v4.1: 2 of 1,614,140 alleles (0.00012%); highest among the groups gnomAD compares: Non-Finnish European, 0.00017%; no homozygotes.

Submission:

Baylor Genetics
Classification: Uncertain significance for Long chain 3-hydroxyacyl-CoA dehydrogenase deficiency. Last evaluated: 2018-12-01. Review status: criteria provided, single submitter. Criteria: ACMG Guidelines, 2015. Collection method: clinical testing. Allele origin: unknown. Affected: yes.
Comment: This variant was determined to be of uncertain significance according to ACMG Guidelines, 2015 [PMID:25741868].